The following is an entry in ClinVar:

ClinVar aggregate classification (germline): Uncertain significance (1 of 4 stars; one submission).

Conditions:
Generalized epilepsy-paroxysmal dyskinesia syndrome (PNKD3). Also called: Generalized epilepsy and paroxysmal dyskinesia; Paroxysmal nonkinesigenic dyskinesia, 3, with or without generalized epilepsy. Identifiers: Orphanet 79137, MedGen C5574945, MONDO:0012276, OMIM 609446.

Allele frequency attached by ClinVar (database versions not stated): gnomAD 0.00001.
gnomAD v4.1: 1 of 1,545,608 alleles (0.000065%); highest among the groups gnomAD compares: African/African-American, 0.0014%; no homozygotes.

Submission:

Labcorp Genetics (formerly Invitae), Labcorp
Classification: Uncertain significance for Generalized epilepsy-paroxysmal dyskinesia syndrome. Last evaluated: 2025-11-17. Review status: criteria provided, single submitter. Criteria: Invitae Variant Classification Sherloc (09022015). Collection method: clinical testing. Allele origin: germline.
Comment: This sequence change replaces asparagine, which is neutral and polar, with lysine, which is basic and polar, at codon 32 of the KCNMA1 protein (p.Asn32Lys). This variant is not present in population databases (gnomAD no frequency). This variant has not been reported in the literature in individuals affected with KCNMA1-related conditions. ClinVar contains an entry for this variant (Variation ID: 1471642). An algorithm developed to predict the effect of missense changes on protein structure and function (PolyPhen-2) suggests that this variant is likely to be disruptive. In summary, the available evidence is currently insufficient to determine the role of this variant in disease. Therefore, it has been classified as a Variant of Uncertain Significance.

NM_001161352.2(KCNMA1):c.96C>G (p.Asn32Lys)

Gene: KCNMA1 (potassium calcium-activated channel subfamily M alpha 1; minus strand). Cytogenetic location: 10q22.3.
Variant type: single nucleotide variant.
Coding change: c.96C>G on transcript NM_001161352.2 (MANE Select); coding-DNA position 96, C replaced by G.
Protein change: p.Asn32Lys; replaces asparagine 32 with lysine.
Molecular consequence: missense variant.
Genome position (GRCh38, 1-based): chr10:77,637,547, G>C on the plus strand (C>G on the coding strand, the complement: KCNMA1 is on the minus strand). VCF-style: chr10-77637547-G-C. GRCh37 (hg19) VCF-style: chr10-79397305-G-C.
Other names: c.96C>G, p.Asn32Lys (NM_001014797.3, NM_001161353.2, NM_001271518.2 and 12 more transcripts); short protein forms N32K.
Identifiers: ClinVar variation 1471642 (VCV001471642.8), dbSNP rs749212119, ClinGen allele CA5568812.